The following is an entry in ClinVar:

ClinVar aggregate classification (germline): Likely pathogenic (1 of 4 stars; one submission).

Conditions:
Alzheimer disease. Also called: Presenile and senile dementia; Alzheimer's disease. Identifiers: Orphanet 1020, MedGen C0002395, MeSH D000544, MONDO:0004975, HP:0002511.

Submission:

Human Genetics Group at Institute of Prion Diseases London, University College London
Classification: Likely pathogenic for Alzheimer disease type 1. Last evaluated: 2017-02-01. Review status: criteria provided, single submitter. Criteria: Koriath et al. 2018. Collection method: research. Allele origin: unknown. Affected: yes. Observed: 1 variant allele.
Comment: not on exac. Similar mutation (L166H) reported pathogenic at same location, this variant has no charge change but a change in bulkiness.

Confirmed by Sanger sequencing

NM_000021.4(PSEN1):c.510_511insTAT (p.Ser170_Leu171insTyr)

Gene: PSEN1 (presenilin 1; plus strand). Cytogenetic location: 14q24.2.
Variant type: Insertion.
Coding change: c.510_511insTAT on transcript NM_000021.4 (MANE Select); coding-DNA positions 510 to 511, TAT inserted.
Protein change: p.Ser170_Leu171insTyr.
Molecular consequence: inframe insertion.
Genome position: GRCh38 VCF-style: chr14-73186881-C-CTTA. GRCh37 (hg19) VCF-style: chr14-73653589-C-CTTA.
Other names: c.498_499insTAT, p.Ser166_Leu167insTyr (NM_007318.3).
Identifiers: ClinVar variation 599624 (VCV000599624.1), dbSNP rs1566638673, ClinGen allele CA913191117.